The following is an entry in ClinVar:

NM_000426.4(LAMA2):c.3747T>G (p.Tyr1249Ter)

Gene: LAMA2 (laminin subunit alpha 2; plus strand). Cytogenetic location: 6q22.33.
Variant type: single nucleotide variant.
Coding change: c.3747T>G on transcript NM_000426.4 (MANE Select); coding-DNA position 3747, T replaced by G.
Protein change: p.Tyr1249Ter; replaces tyrosine 1249 with a stop codon.
Molecular consequence: nonsense.
Genome position (GRCh38, 1-based): chr6:129,315,773, T>G. VCF-style: chr6-129315773-T-G. GRCh37 (hg19) VCF-style: chr6-129636918-T-G.
Other names: c.3747T>G, p.Tyr1249Ter (NM_001079823.2); short protein forms Y1249*.
Identifiers: ClinVar variation 2765075 (VCV002765075.3), dbSNP rs780154697, ClinGen allele CA3993355.

ClinVar aggregate classification (germline): Pathogenic (1 of 4 stars; one submission).

Conditions:
LAMA2-related muscular dystrophy (LAMA2-RD). Also called: Laminin alpha 2-related dystrophy. Identifiers: MedGen C5679788, MONDO:0100228.

gnomAD v4.1: 2 of 1,614,088 alleles (0.00012%); highest among the groups gnomAD compares: East Asian, 0.0045%; no homozygotes.

Submission:

Labcorp Genetics (formerly Invitae), Labcorp
Classification: Pathogenic for LAMA2-related muscular dystrophy. Last evaluated: 2023-10-04. Review status: criteria provided, single submitter. Criteria: Invitae Variant Classification Sherloc (09022015). Collection method: clinical testing. Allele origin: germline.
Comment: This sequence change creates a premature translational stop signal (p.Tyr1249*) in the LAMA2 gene. It is expected to result in an absent or disrupted protein product. Loss-of-function variants in LAMA2 are known to be pathogenic (PMID: 18700894, 32904964). This variant is present in population databases (rs780154697, gnomAD 0.006%). This variant has not been reported in the literature in individuals affected with LAMA2-related conditions. For these reasons, this variant has been classified as Pathogenic.

Literature cited by the submitters: PubMed 18700894; PubMed 32904964.